The following is an entry in ClinVar:

NM_001122630.2(CDKN1C):c.614C>A (p.Pro205Gln)

Gene: CDKN1C (cyclin dependent kinase inhibitor 1C; minus strand). Cytogenetic location: 11p15.4.
Variant type: single nucleotide variant.
Coding change: c.614C>A on transcript NM_001122630.2 (MANE Select); coding-DNA position 614, C replaced by A.
Protein change: p.Pro205Gln; replaces proline 205 with glutamine.
Molecular consequence: missense variant. On other transcripts: intron variant (1).
Genome position (GRCh38, 1-based): chr11:2,884,843, G>T on the plus strand (C>A on the coding strand, the complement: CDKN1C is on the minus strand). VCF-style: chr11-2884843-G-T. GRCh37 (hg19) VCF-style: chr11-2906073-G-T.
Other names: c.647C>A, p.Pro216Gln (NM_000076.2, NM_001362474.2); c.614C>A, p.Pro205Gln (NM_001122631.2); c.255+359C>A (NM_001362475.2); short protein forms P205Q, P216Q.
Identifiers: ClinVar variation 3002507 (VCV003002507.3), dbSNP rs2494385128, ClinGen allele CA379146109.

ClinVar aggregate classification (germline): Uncertain significance (1 of 4 stars; one submission).

Conditions:
Beckwith-Wiedemann syndrome (BWS). Also called: EMG SYNDROME; Exomphalos macroglossia gigantism syndrome. Identifiers: Orphanet 116, MedGen C0004903, MONDO:0007534, OMIM 130650.

gnomAD v4.1: 1 of 1,153,816 alleles (0.000087%); highest among the groups gnomAD compares: Non-Finnish European, 0.00011%; no homozygotes.

Submission:

Labcorp Genetics (formerly Invitae), Labcorp
Classification: Uncertain significance for Beckwith-Wiedemann syndrome. Last evaluated: 2023-02-04. Review status: criteria provided, single submitter. Criteria: Invitae Variant Classification Sherloc (09022015). Collection method: clinical testing. Allele origin: germline.
Comment: In summary, the available evidence is currently insufficient to determine the role of this variant in disease. Therefore, it has been classified as a Variant of Uncertain Significance. Advanced modeling of protein sequence and biophysical properties (such as structural, functional, and spatial information, amino acid conservation, physicochemical variation, residue mobility, and thermodynamic stability) performed at Invitae indicates that this missense variant is not expected to disrupt CDKN1C protein function. This variant has not been reported in the literature in individuals affected with CDKN1C-related conditions. This variant is not present in population databases (gnomAD no frequency). This sequence change replaces proline, which is neutral and non-polar, with glutamine, which is neutral and polar, at codon 216 of the CDKN1C protein (p.Pro216Gln).